The following is an entry in ClinVar:

ClinVar aggregate classification (germline): Benign/Likely benign. Review status: criteria provided, multiple submitters, no conflicts (2 of 4 stars). 13 submissions from 12 submitters: Benign (8); Likely benign (3). 2 of the submissions do not count toward it. Last evaluated 2026-02-02.

Conditions:
RAD50-related disorder. Also called: RAD50-related condition.
Hereditary cancer-predisposing syndrome. Also called: Tumor predisposition; Hereditary Cancer Syndrome; Neoplastic Syndromes, Hereditary; Hereditary neoplastic syndrome. Identifiers: Orphanet 140162, MedGen C0027672, MeSH D009386, MONDO:0015356.
Nijmegen breakage syndrome-like disorder (NBSLD). Also called: MICROCEPHALY AND SPONTANEOUS CHROMOSOME INSTABILITY WITHOUT IMMUNODEFICIENCY; NBS-LIKE DISORDER; RAD50 DEFICIENCY. Identifiers: Orphanet 240760, MedGen C2751318, MONDO:0013118, OMIM 613078.
Familial cancer of breast. Also called: hereditary breast carcinoma; BREAST CANCER, FAMILIAL; Hereditary breast cancer. Identifiers: Orphanet 227535, MedGen C0346153, MONDO:0016419, OMIM 114480. Disease mechanism: loss of function.

Allele frequency attached by ClinVar (database versions not stated): gnomAD exomes 0.00021 and 0.00050; ExAC 0.00067; ESP Exome Variant Server 0.00185; gnomAD 0.00212 and 0.00216; TOPMed 0.00264; 1000 Genomes Project 30x 0.00437; 1000 Genomes Project 0.00539.
gnomAD v4.1: 660 of 1,614,018 alleles (0.041%); highest among the groups gnomAD compares: African/African-American, 0.71%; 6 homozygotes.

Submissions (13):

Labcorp Genetics (formerly Invitae), Labcorp
Classification: Benign for Hereditary cancer-predisposing syndrome. Last evaluated: 2026-02-02. Review status: criteria provided, single submitter. Criteria: Invitae Variant Classification Sherloc (09022015). Collection method: clinical testing. Allele origin: germline.

Quest Diagnostics Nichols Institute San Juan Capistrano
Classification: Benign. Last evaluated: 2025-09-10. Review status: criteria provided, single submitter. Criteria: Quest Diagnostics criteria. Collection method: clinical testing. Allele origin: unknown.

KCCC/NGS Laboratory, Kuwait Cancer Control Center
Classification: Benign for Nijmegen breakage syndrome-like disorder. Last evaluated: 2025-02-01. Review status: criteria provided, single submitter. Criteria: ACMG Guidelines, 2015. Collection method: clinical testing. Allele origin: germline. Affected: no.

Blueprint Genetics
Classification: Likely benign. Last evaluated: 2024-09-11. Review status: criteria provided, single submitter. Criteria: ACMG Guidelines, 2015. Collection method: clinical testing. Allele origin: germline.

KCCC/NGS Laboratory, Kuwait Cancer Control Center
Classification: Benign for Familial cancer of breast. Last evaluated: 2023-07-07. Review status: criteria provided, single submitter. Criteria: ACMG Guidelines, 2015. Collection method: clinical testing. Allele origin: germline. Affected: yes.

Sema4
Classification: Benign for Nijmegen breakage syndrome-like disorder. Last evaluated: 2020-10-15. Review status: criteria provided, single submitter. Criteria: Sema4 Curation Guidelines. Collection method: curation. Allele origin: germline.

Eurofins Ntd Llc (ga)
Classification: Likely benign. Last evaluated: 2018-03-30. Review status: criteria provided, single submitter. Criteria: EGL ClinVar v180209 classification definitions. Collection method: clinical testing. Allele origin: germline. Observed: 1 variant allele, 1 heterozygote.

Women's Health and Genetics/Laboratory Corporation of America, LabCorp
Classification: Benign. Last evaluated: 2018-01-08. Review status: criteria provided, single submitter. Criteria: LabCorp Variant Classification Summary - May 2015. Collection method: clinical testing. Allele origin: germline.
Comment: Variant summary: The RAD50 c.2670G>A (p.Gln890Gln) variant involves the alteration of a non-conserved nucleotide causing a synonymous change and 4/5 splice prediction tools predict no significant impact on normal splicing. ESE finder predicts that this variant may alter ESE binding. However, these predictions have yet to be confirmed by functional studies. This variant was found in 176/277102 control chromosomes, predominantly observed in the African subpopulation at a frequency of 0.006285 (151/24026). This frequency is about 101 times the estimated maximal expected allele frequency of a pathogenic RAD50 variant (0.0000625), suggesting this is likely a benign polymorphism found primarily in the populations of African origin. In addition, multiple clinical diagnostic laboratories classified this variant as benign/likely benign. The variant of interest has not, to our knowledge, been reported in affected individuals via publications; nor evaluated for functional impact by in vivo/vitro studies. Taken together, this variant is classified as benign.

Ambry Genetics
Classification: Benign for Hereditary cancer-predisposing syndrome. Last evaluated: 2014-11-29. Review status: criteria provided, single submitter. Criteria: Ambry Variant Classification Scheme 2023. Collection method: clinical testing. Allele origin: germline.

GeneDx
Classification: Benign. Last evaluated: 2014-01-23. Review status: criteria provided, single submitter. Criteria: GeneDx Variant Classification (06012015). Collection method: clinical testing. Allele origin: germline. Affected: yes.
Comment: This variant is considered likely benign or benign based on one or more of the following criteria: it is a conservative change, it occurs at a poorly conserved position in the protein, it is predicted to be benign by multiple in silico algorithms, and/or has population frequency not consistent with disease.

Breakthrough Genomics
Classification: Likely benign. Review status: criteria provided, single submitter. Criteria: ACMG Guidelines, 2015. Collection method: not provided. Allele origin: germline. Inheritance: Autosomal recessive inheritance. Affected: yes.

PreventionGenetics, part of Exact Sciences
Classification: Benign for RAD50-related condition. Last evaluated: 2019-03-08. Review status: no assertion criteria provided. Collection method: clinical testing. Allele origin: germline. Not counted in ClinVar's aggregate classification.
Comment: This variant is classified as benign based on ACMG/AMP sequence variant interpretation guidelines (Richards et al. 2015 PMID: 25741868, with internal and published modifications).

Counsyl
Classification: Likely benign for Nijmegen breakage syndrome-like disorder. Last evaluated: 2016-06-03. Review status: no assertion criteria provided. Collection method: clinical testing. Allele origin: unknown. Not counted in ClinVar's aggregate classification.

NM_005732.4(RAD50):c.2670G>A (p.Gln890=)

Gene: RAD50 (RAD50 double strand break repair protein; plus strand). Cytogenetic location: 5q31.1.
Variant type: single nucleotide variant.
Coding change: c.2670G>A on transcript NM_005732.4 (MANE Select); coding-DNA position 2670, G replaced by A.
Protein change: p.Gln890=; no amino-acid change (glutamine 890 retained).
Molecular consequence: synonymous variant.
Genome position (GRCh38, 1-based): chr5:132,604,951, G>A. VCF-style: chr5-132604951-G-A. GRCh37 (hg19) VCF-style: chr5-131940643-G-A.
Other names: p.Q890Q:CAG>CAA.
Identifiers: ClinVar variation 142441 (VCV000142441.31), dbSNP rs112241748, ClinGen allele CA333261.